The following is an entry in ClinVar:

NM_000157.4(GBA1):c.589-1G>T

Genes: GBA1 (glucosylceramidase beta 1; minus strand), LOC106627981 (GBA recombination region; plus strand). Cytogenetic location: 1q22.
Variant type: single nucleotide variant.
Coding change: c.589-1G>T on transcript NM_000157.4 (MANE Select); the canonical splice acceptor site of the intron before coding-DNA position 589, G replaced by T.
Molecular consequence: splice acceptor variant.
Genome position (GRCh38, 1-based): chr1:155,238,307, C>A on the plus strand (G>T on the coding strand, the complement: GBA1 is on the minus strand). VCF-style: chr1-155238307-C-A. GRCh37 (hg19) VCF-style: chr1-155208098-C-A.
Other names: c.328-1G>T (NM_001171811.2); c.589-1G>T (NM_001005742.3, NM_001005741.3); c.442-1G>T (NM_001171812.2).
Identifiers: ClinVar variation 4817780 (VCV004817780.1).

ClinVar aggregate classification (germline): Pathogenic (1 of 4 stars; one submission).

Conditions:
Gaucher disease. Also called: Acute cerebral Gaucher disease; Cerebroside lipidosis syndrome; Gaucher splenomegaly; Sphingolipidosis 1; Glucocerebrosidosis; Glucosylceramidase deficiency. Identifiers: Orphanet 355, MedGen C0017205, MONDO:0018150.

Submission:

Natera, Inc.
Classification: Pathogenic for Gaucher disease. Last evaluated: 2024-11-01. Review status: criteria provided, single submitter. Criteria: Natera Variant Classification Schema (03/2026). Collection method: clinical testing. Allele origin: germline.
Comment: The c.589-1G>T variant in GBA1 is a canonical splice acceptor site variant predicted to affect pre-mRNA splicing, which may result in an abnormal transcript and altered protein product. This variant is expected to result in nonsense mediated decay, truncation, or a dysfunctional protein product. This variant is rare in the general population with a frequency below the threshold expected for the associated phenotype(s). Another variant at this same site results in an alteration predicted to cause a similar molecular effect has been observed in individual(s) with the associated phenotype. Given the available evidence, this variant is classified as Pathogenic.